The following is an entry in ClinVar:

ClinVar aggregate classification (germline): Uncertain significance (1 of 4 stars; one submission).

Allele frequency attached by ClinVar (database versions not stated): gnomAD exomes below 0.00001.
gnomAD v4.1: 1 of 1,608,130 alleles (0.000062%); highest among the groups gnomAD compares: Admixed American, 0.0017%; no homozygotes.

Submission:

Labcorp Genetics (formerly Invitae), Labcorp
Classification: Uncertain significance. Last evaluated: 2023-11-19. Review status: criteria provided, single submitter. Criteria: Invitae Variant Classification Sherloc (09022015). Collection method: clinical testing. Allele origin: germline.
Comment: This sequence change replaces glutamine, which is neutral and polar, with lysine, which is basic and polar, at codon 1387 of the HERC1 protein (p.Gln1387Lys). This variant is not present in population databases (gnomAD no frequency). This variant has not been reported in the literature in individuals affected with HERC1-related conditions. An algorithm developed to predict the effect of missense changes on protein structure and function (PolyPhen-2) suggests that this variant is likely to be tolerated. In summary, the available evidence is currently insufficient to determine the role of this variant in disease. Therefore, it has been classified as a Variant of Uncertain Significance.

NM_003922.4(HERC1):c.4159C>A (p.Gln1387Lys)

Gene: HERC1 (HECT and RLD domain containing E3 ubiquitin protein ligase family member 1; minus strand). Cytogenetic location: 15q22.31.
Variant type: single nucleotide variant.
Coding change: c.4159C>A on transcript NM_003922.4 (MANE Select); coding-DNA position 4159, C replaced by A.
Protein change: p.Gln1387Lys; replaces glutamine 1387 with lysine.
Molecular consequence: missense variant.
Genome position (GRCh38, 1-based): chr15:63,713,657, G>T on the plus strand (C>A on the coding strand, the complement: HERC1 is on the minus strand). VCF-style: chr15-63713657-G-T. GRCh37 (hg19) VCF-style: chr15-64005856-G-T.
Other names: short protein forms Q1387K.
Identifiers: ClinVar variation 2695649 (VCV002695649.3), dbSNP rs2551576117, ClinGen allele CA392753551.
Genomic context (GRCh38, chr15:63,713,657, plus strand): 5'-CACTGTTCATTCTATCTCGGTCTCGGCTACGAGCTACTTCACGGGCTGAGAGGAAACACT[G>T]AAAGATTTCTGTAACATGCAACACAAAAACAAGGTCTTAACACATGGGGAGAGAAGAGCA-3'
Protein context (NP_003913.3, residues 1377-1397): HEVMTAGKIF[Gln1387Lys]CFLSAREVAR